The following is an entry in ClinVar:

ClinVar aggregate classification (germline): Likely benign. Review status: reviewed by expert panel (3 of 4 stars). 7 submissions from 7 submitters: Likely benign (1). 6 of the submissions do not count toward it. Last evaluated 2019-10-02.

Conditions:
Nonsyndromic genetic hearing loss. Also called: Nonsyndromic hearing loss and deafness; Nonsyndromic genetic deafness; Non-syndromic genetic deafness. Identifiers: Orphanet 87884, MedGen C5680182, MONDO:0019497.

Allele frequency attached by ClinVar (database versions not stated): gnomAD 0.00002 and 0.00004; TOPMed 0.00002; ExAC 0.00008; ESP Exome Variant Server 0.00008; gnomAD exomes 0.00011.
gnomAD v4.1: 87 of 1,614,082 alleles (0.0054%); highest among the groups gnomAD compares: Middle Eastern, 0.63%; no homozygotes.

Submissions (7):

ClinGen Hearing Loss Variant Curation Expert Panel
Classification: Likely benign for Nonsyndromic genetic hearing loss. Last evaluated: 2019-10-02. Review status: reviewed by expert panel. Criteria: ClinGen HL ACMG Specifications v1. Collection method: curation. Allele origin: germline. Inheritance: Autosomal dominant inheritance.
Comment: The c.487-7C>G intronic variant in TECTA was present in 0.05081% (18/35428) of Latino alleles in gnomAD; however, because this gene has been associated with both AR and AD hearing loss, no criteria were applied based on population data. The c.487-7C>G variant is classified as likely benign because a C>G change at this position does not diverge from the splice consensus sequence, making it unlikely to impact splicing, and computational splice prediction tools do not predict an impact on splicing. ACMG/AMP Criteria applied, as specified by the Hearing Loss Expert Panel: BP4, BP7.

Labcorp Genetics (formerly Invitae), Labcorp
Classification: Likely benign. Last evaluated: 2025-05-07. Review status: criteria provided, single submitter. Criteria: Invitae Variant Classification Sherloc (09022015). Collection method: clinical testing. Allele origin: germline. Not counted in ClinVar's aggregate classification.

Blueprint Genetics
Classification: Uncertain significance. Last evaluated: 2024-09-09. Review status: criteria provided, single submitter. Criteria: ACMG Guidelines, 2015. Collection method: clinical testing. Allele origin: germline. Not counted in ClinVar's aggregate classification.

GeneDx
Classification: Likely benign. Last evaluated: 2017-12-12. Review status: criteria provided, single submitter. Criteria: GeneDx Variant Classification (06012015). Collection method: clinical testing. Allele origin: germline. Affected: yes. Not counted in ClinVar's aggregate classification.
Comment: This variant is considered likely benign or benign based on one or more of the following criteria: it is a conservative change, it occurs at a poorly conserved position in the protein, it is predicted to be benign by multiple in silico algorithms, and/or has population frequency not consistent with disease.

PreventionGenetics, part of Exact Sciences
Classification: Likely benign. Last evaluated: 2016-03-01. Review status: criteria provided, single submitter. Criteria: ACMG Guidelines, 2015. Collection method: clinical testing. Allele origin: germline. Not counted in ClinVar's aggregate classification.

Laboratory for Molecular Medicine, Mass General Brigham Personalized Medicine
Classification: Uncertain significance. Last evaluated: 2015-08-26. Review status: criteria provided, single submitter. Criteria: LMM Criteria. Collection method: clinical testing. Allele origin: germline. Observed: 3 variant alleles. Not counted in ClinVar's aggregate classification.
Comment: Variant classified as Uncertain Significance - Favor Benign. This variant has been identified in several populations and was present in 10/120696 of the total chromosomes by the Exome Aggregation Conso rtium (ExAC; dbSNP rs368627411). This variant is located in the 3' splice region. Computational tools do not suggest an impact t o splicing; however, this information is not predictive enough to rule out patho genicity. In summary, while the clinical significance of the c.487-7C>G variant is uncertain, these data suggest it is more likely to be benign.

Breakthrough Genomics
Classification: Likely benign. Review status: criteria provided, single submitter. Criteria: ACMG Guidelines, 2015. Collection method: not provided. Allele origin: germline. Inheritance: Autosomal recessive inheritance. Affected: yes. Not counted in ClinVar's aggregate classification.

NM_005422.4(TECTA):c.487-7C>G

Genes: TBCEL-TECTA (TBCEL-TECTA readthrough; plus strand), TECTA (tectorin alpha; plus strand). Cytogenetic location: 11q23.3.
Variant type: single nucleotide variant.
Coding change: c.487-7C>G on transcript NM_005422.4 (MANE Select); 7 bases into the intron before coding-DNA position 487, C replaced by G.
Molecular consequence: intron variant.
Genome position (GRCh38, 1-based): chr11:121,113,065, C>G. VCF-style: chr11-121113065-C-G. GRCh37 (hg19) VCF-style: chr11-120983774-C-G.
Other names: c.487-7C>G (NM_005422.2); c.1444-7C>G (NM_001378761.1).
Identifiers: ClinVar variation 229304 (VCV000229304.15), dbSNP rs368627411, ClinGen allele CA6326508.